The following is an entry in ClinVar:

ClinVar aggregate classification (germline): Uncertain significance (1 of 4 stars; one submission).

Conditions:
Hereditary breast ovarian cancer syndrome. Also called: Hereditary breast and ovarian cancer; BRCA1- and BRCA2-Associated Hereditary Breast and Ovarian Cancer; Hereditary breast and ovarian cancer syndrome; Breast and ovarian cancer; Hereditary breast and ovarian cancer syndrome (HBOC); Hereditary breast and/or ovarian cancer syndrome. Identifiers: Orphanet 145, MedGen C0677776, MeSH D061325, MONDO:0003582. Disease mechanism: loss of function.

Submission:

Labcorp Genetics (formerly Invitae), Labcorp
Classification: Uncertain significance for Hereditary breast ovarian cancer syndrome. Last evaluated: 2022-12-07. Review status: criteria provided, single submitter. Criteria: Invitae Variant Classification Sherloc (09022015). Collection method: clinical testing. Allele origin: germline.
Comment: Advanced modeling of protein sequence and biophysical properties (such as structural, functional, and spatial information, amino acid conservation, physicochemical variation, residue mobility, and thermodynamic stability) performed at Invitae indicates that this missense variant is not expected to disrupt BRCA2 protein function. This variant has not been reported in the literature in individuals affected with BRCA2-related conditions. This variant is not present in population databases (gnomAD no frequency). This sequence change replaces serine, which is neutral and polar, with alanine, which is neutral and non-polar, at codon 1937 of the BRCA2 protein (p.Ser1937Ala). In summary, the available evidence is currently insufficient to determine the role of this variant in disease. Therefore, it has been classified as a Variant of Uncertain Significance.

NM_000059.4(BRCA2):c.5809T>G (p.Ser1937Ala)

Gene: BRCA2 (BRCA2 DNA repair associated; plus strand). Cytogenetic location: 13q13.1.
Variant type: single nucleotide variant.
Coding change: c.5809T>G on transcript NM_000059.4 (MANE Select); coding-DNA position 5809, T replaced by G.
Protein change: p.Ser1937Ala; replaces serine 1937 with alanine.
Molecular consequence: missense variant. On other transcripts: non-coding transcript variant (1), intron variant (2).
Genome position (GRCh38, 1-based): chr13:32,340,164, T>G. VCF-style: chr13-32340164-T-G. GRCh37 (hg19) VCF-style: chr13-32914301-T-G.
Other names: c.5809T>G, p.Ser1937Ala (NM_001406719.1, NM_001406720.1); c.1910-4394T>G (NM_001406721.1); c.425-4394T>G (NM_001406722.1); short protein forms S1937A.
Identifiers: ClinVar variation 2819132 (VCV002819132.3), dbSNP rs2137521235, ClinGen allele CA387787248.